The following is an entry in ClinVar:

ClinVar aggregate classification (germline): Conflicting classifications of pathogenicity. Review status: criteria provided, conflicting classifications (1 of 4 stars). 4 submissions from 4 submitters: Uncertain significance (2); Likely benign (1). 1 of the submissions does not count toward it. Last evaluated 2024-08-01.

Conditions:
Hereditary cancer-predisposing syndrome. Also called: Hereditary Cancer Syndrome; Neoplastic Syndromes, Hereditary; Tumor predisposition; Hereditary neoplastic syndrome. Identifiers: Orphanet 140162, MedGen C0027672, MeSH D009386, MONDO:0015356.
Ataxia-telangiectasia syndrome (AT). Also called: Ataxia-telangiectasia, complementation group D; AT, COMPLEMENTATION GROUP C; ATAXIA-TELANGIECTASIA, COMPLEMENTATION GROUP A; ATAXIA-TELANGIECTASIA, FRESNO VARIANT; Ataxia-telangiectasia; LOUIS-BAR SYNDROME. Identifiers: Orphanet 100, MedGen C0004135, MONDO:0008840, OMIM 208900.

Allele frequency attached by ClinVar (database versions not stated): TOPMed 0.00001.

Submissions (4):

Labcorp Genetics (formerly Invitae), Labcorp
Classification: Uncertain significance for Ataxia-telangiectasia syndrome. Last evaluated: 2024-08-01. Review status: criteria provided, single submitter. Criteria: Invitae Variant Classification Sherloc (09022015). Collection method: clinical testing. Allele origin: germline.
Comment: This sequence change replaces methionine, which is neutral and non-polar, with threonine, which is neutral and polar, at codon 557 of the ATM protein (p.Met557Thr). This variant is not present in population databases (gnomAD no frequency). This variant has not been reported in the literature in individuals affected with ATM-related conditions. ClinVar contains an entry for this variant (Variation ID: 186202). An algorithm developed to predict the effect of missense changes on protein structure and function outputs the following: PolyPhen-2: "Benign". The threonine amino acid residue is found in multiple mammalian species, which suggests that this missense change does not adversely affect protein function. In summary, the available evidence is currently insufficient to determine the role of this variant in disease. Therefore, it has been classified as a Variant of Uncertain Significance.

Ambry Genetics
Classification: Likely benign for Hereditary cancer-predisposing syndrome. Last evaluated: 2021-03-13. Review status: criteria provided, single submitter. Criteria: Ambry Variant Classification Scheme 2023. Collection method: clinical testing. Allele origin: germline.

GeneDx
Classification: Uncertain significance. Last evaluated: 2015-02-02. Review status: criteria provided, single submitter. Criteria: GeneDx Variant Classification (06012015). Collection method: clinical testing. Allele origin: germline. Affected: yes.
Comment: This variant is denoted ATM c.1670T>C at the cDNA level, p.Met557Thr (M557T) at the protein level, and results in the change of a Methionine to a Threonine (ATG>ACG). This variant has not, to our knowledge, been published in the literature as pathogenic or benign. ATM Met557Thr was not observed in approximately 6,500 individuals of European and African American ancestry in the NHLBI Exome Sequencing Project, indicating it is not a common benign variant in these populations. Since Methionine and Threonine differ in polarity, charge, size or other properties, this is considered a non-conservative amino acid substitution. ATM Met557Thr occurs at a position that is poorly conserved across species, with Threonine being the naturally occurring amino acid at this position in several species, and is not located in a known functional domain (Tavtigian 2009). In silico analyses predict that this variant is unlikely to alter protein structure or function. Based on currently available information, it is unclear whether ATM Met557Thr is pathogenic or benign. We consider it to be a variant of uncertain significance.

Natera, Inc.
Classification: Uncertain significance for Ataxia-telangiectasia. Last evaluated: 2021-01-20. Review status: no assertion criteria provided. Collection method: clinical testing. Allele origin: germline. Not counted in ClinVar's aggregate classification.

NM_000051.4(ATM):c.1670T>C (p.Met557Thr)

Gene: ATM (ATM serine/threonine kinase; plus strand). Cytogenetic location: 11q22.3.
Variant type: single nucleotide variant.
Coding change: c.1670T>C on transcript NM_000051.4 (MANE Select); coding-DNA position 1670, T replaced by C.
Protein change: p.Met557Thr; replaces methionine 557 with threonine.
Molecular consequence: missense variant.
Genome position (GRCh38, 1-based): chr11:108,251,899, T>C. VCF-style: chr11-108251899-T-C. GRCh37 (hg19) VCF-style: chr11-108122626-T-C.
Other names: c.1670T>C, p.Met557Thr (NM_001351834.2); short protein forms M557T.
Identifiers: ClinVar variation 186202 (VCV000186202.16), dbSNP rs786202770, ClinGen allele CA194138.
Genomic context (GRCh38, chr11:108,251,899, plus strand): 5'-CTGCAGTATGCTGTTTGACTTTGGCACTGACCACCAGTATAGTTCCAGGAACGGTAAAAA[T>C]GGGAATAGAGCAAAATATGTGTGAAGTAAATAGAAGCTTTTCTTTAAAGGAATCAATAAT-3'
Protein context (NP_000042.3, residues 547-567): TTSIVPGTVK[Met557Thr]GIEQNMCEVN